The following is an entry in ClinVar:

ClinVar aggregate classification (germline): Uncertain significance (1 of 4 stars; one submission).

Submission:

Labcorp Genetics (formerly Invitae), Labcorp
Classification: Uncertain significance. Last evaluated: 2022-08-23. Review status: criteria provided, single submitter. Criteria: Invitae Variant Classification Sherloc (09022015). Collection method: clinical testing. Allele origin: germline.
Comment: This sequence change replaces glutamic acid, which is acidic and polar, with alanine, which is neutral and non-polar, at codon 139 of the CCDC88A protein (p.Glu139Ala). This variant is not present in population databases (gnomAD no frequency). This variant has not been reported in the literature in individuals affected with CCDC88A-related conditions. ClinVar contains an entry for this variant (Variation ID: 1424484). Algorithms developed to predict the effect of missense changes on protein structure and function are either unavailable or do not agree on the potential impact of this missense change (SIFT: "Deleterious"; PolyPhen-2: "Probably Damaging"; Align-GVGD: "Class C0"). In summary, the available evidence is currently insufficient to determine the role of this variant in disease. Therefore, it has been classified as a Variant of Uncertain Significance.

NM_001365480.1(CCDC88A):c.416A>C (p.Glu139Ala)

Gene: CCDC88A (coiled-coil domain containing 88A; minus strand). Cytogenetic location: 2p16.1.
Variant type: single nucleotide variant.
Coding change: c.416A>C on transcript NM_001365480.1 (MANE Select); coding-DNA position 416, A replaced by C.
Protein change: p.Glu139Ala; replaces glutamic acid 139 with alanine.
Molecular consequence: missense variant.
Genome position (GRCh38, 1-based): chr2:55,364,020, T>G on the plus strand (A>C on the coding strand, the complement: CCDC88A is on the minus strand). VCF-style: chr2-55364020-T-G. GRCh37 (hg19) VCF-style: chr2-55591156-T-G.
Other names: c.416A>C, p.Glu139Ala (NM_001135597.2, NM_001254943.2, NM_018084.5); short protein forms E139A.
Identifiers: ClinVar variation 1424484 (VCV001424484.3), dbSNP rs2104790727, ClinGen allele CA346911275.
Genomic context (GRCh38, chr2:55,364,020, plus strand): 5'-TGTGCGGCAACCGCTGCTTTTGTATCAAAATCTAAACCTTGAATTCTTTCAATAAATTCC[T>G]CTTTTTTCTGACACTAAAATAAATGAATAAAATAGTTATTCATACTTTATAGGGTATGGT-3'
Protein context (NP_001352409.1, residues 129-149): LGCAVQCQKK[Glu139Ala]EFIERIQGLD